The following is an entry in ClinVar:

ClinVar aggregate classification (germline): Pathogenic (1 of 4 stars; one submission).

Conditions:
Usher syndrome type 1F (USH1F). Also called: USHER SYNDROME, TYPE IF. Identifiers: Orphanet 231169, Orphanet 886, MedGen C1865885, MONDO:0011186, OMIM 602083.

Submission:

Myriad Genetics, Inc.
Classification: Pathogenic for Usher syndrome type 1F. Last evaluated: 2025-06-23. Review status: criteria provided, single submitter. Criteria: Myriad Autosomal Dominant, Autosomal Recessive and X-Linked Classification Criteria (2023). Collection method: clinical testing. Allele origin: unknown.
Comment: NM_033056.3(PCDH15):c.1213delC(L405Wfs*16) is expected to be pathogenic in the context of PCDH15-related disorders. This variant is predicted to lead to an abnormal or absent protein product due to the creation of a premature termination codon in PCDH15, a gene where loss-of-function variants are known to be pathogenic. Please note: this variant was assessed in the context of healthy population screening.

NM_001384140.1(PCDH15):c.1213del (p.Leu405fs)

Gene: PCDH15 (protocadherin related 15; minus strand). Cytogenetic location: 10q21.1.
Variant type: Deletion.
Coding change: c.1213del on transcript NM_001384140.1 (MANE Select); coding-DNA position 1213, one base deleted (C; older notation c.1213delC).
Protein change: p.Leu405fs; shifts the reading frame from leucine 405.
Molecular consequence: frameshift variant.
Genome position (GRCh38, 1-based): chr10:54,195,775, G deleted on the plus strand (C on the coding strand, the reverse complement: PCDH15 is on the minus strand); the first of 2 consecutive G bases (chr10:54,195,775-54,195,776); deleting either gives the same sequence. VCF-style (leftmost placement, unchanged base first): chr10-54195774-AG-A. GRCh37 (hg19) VCF-style: chr10-55955534-AG-A.
Other names: c.1228del, p.Leu410fs (NM_001142763.2, NM_001142771.2); c.1213del, p.Leu405fs (NM_001142764.2, NM_001142765.2, NM_001142766.2 and 7 more transcripts); c.1102del, p.Leu368fs (NM_001142767.2); c.1147del, p.Leu383fs (NM_001142768.2, NM_001142773.2, NM_001354404.2); c.1227delC, p.Leu410Trpfs (NM_001142769.4); short protein forms L368fs, L383fs, L405fs, L410fs.
Identifiers: ClinVar variation 5014635 (VCV005014635.1).